The following is an entry in ClinVar:

NM_000313.4(PROS1):c.*454G>A

Gene: PROS1 (protein S; minus strand). Cytogenetic location: 3q11.1.
Variant type: single nucleotide variant.
Coding change: c.*454G>A on transcript NM_000313.4 (MANE Select); 454 bases downstream of the stop codon, G replaced by A.
Molecular consequence: 3 prime UTR variant.
Genome position (GRCh38, 1-based): chr3:93,873,791, C>T on the plus strand (G>A on the coding strand, the complement: PROS1 is on the minus strand). VCF-style: chr3-93873791-C-T. GRCh37 (hg19) VCF-style: chr3-93592635-C-T.
Other names: c.*454G>A (NM_001314077.2).
Identifiers: ClinVar variation 903196 (VCV000903196.4), dbSNP rs539871594, ClinGen allele CA78519989.

ClinVar aggregate classification (germline): Likely benign (1 of 4 stars; one submission).

Conditions:
Thrombophilia due to protein S deficiency, autosomal dominant (THPH5). Identifiers: Orphanet 26349, Orphanet 743, MedGen C3278211, MONDO:0012868, OMIM 612336. Disease mechanism: loss of function.

Allele frequency attached by ClinVar (database versions not stated): gnomAD exomes 0.00019; gnomAD 0.00238 and 0.00256; TOPMed 0.00282; 1000 Genomes Project 0.00459; 1000 Genomes Project 30x 0.00484.
gnomAD v4.1: 368 of 179,870 alleles (0.2%); highest among the groups gnomAD compares: African/African-American, 0.83%; 1 homozygote.

Submission:

Illumina Laboratory Services, Illumina
Classification: Likely benign for Thrombophilia due to protein S deficiency, autosomal dominant. Last evaluated: 2018-01-13. Review status: criteria provided, single submitter. Criteria: ICSL Variant Classification Criteria 13 December 2019. Collection method: clinical testing. Allele origin: germline.
Comment: This variant was observed in the ICSL laboratory as part of a predisposition screen in an ostensibly healthy population. It had not been previously curated by ICSL or reported in the Human Gene Mutation Database (HGMD: prior to June 1st, 2018), and was therefore a candidate for classification through an automated scoring system. Utilizing variant allele frequency, disease prevalence and penetrance estimates, and inheritance mode, an automated score was calculated to assess if this variant is too frequent to cause the disease. Based on the score and internal cut-off values, a variant classified as likely benign is not then subjected to further curation. The score for this variant resulted in a classification of likely benign for this disease.